The following is an entry in ClinVar:

ClinVar aggregate classification (germline): Uncertain significance. Review status: criteria provided, multiple submitters, no conflicts (2 of 4 stars). 2 submissions from 2 submitters: Uncertain significance (2). Last evaluated 2025-11-02.

Conditions:
Inborn genetic diseases. Identifiers: MedGen C0950123, MeSH D030342.

gnomAD v4.1: 4 of 1,605,432 alleles (0.00025%); highest among the groups gnomAD compares: Non-Finnish European, 0.00034%; no homozygotes.

Submissions (2):

Ambry Genetics
Classification: Uncertain significance for Inborn genetic diseases. Last evaluated: 2025-11-02. Review status: criteria provided, single submitter. Criteria: Ambry Variant Classification Scheme 2023. Collection method: clinical testing. Allele origin: germline.

Labcorp Genetics (formerly Invitae), Labcorp
Classification: Uncertain significance. Last evaluated: 2025-07-09. Review status: criteria provided, single submitter. Criteria: Invitae Variant Classification Sherloc (09022015). Collection method: clinical testing. Allele origin: germline.
Comment: This sequence change replaces glycine, which is neutral and non-polar, with glutamic acid, which is acidic and polar, at codon 154 of the GCLC protein (p.Gly154Glu). This variant is present in population databases (no rsID available, gnomAD 0.0009%). This variant has not been reported in the literature in individuals affected with GCLC-related conditions. An algorithm developed to predict the effect of missense changes on protein structure and function (PolyPhen-2) suggests that this variant is likely to be tolerated. In summary, the available evidence is currently insufficient to determine the role of this variant in disease. Therefore, it has been classified as a Variant of Uncertain Significance.

NM_001498.4(GCLC):c.461G>A (p.Gly154Glu)

Gene: GCLC (glutamate-cysteine ligase catalytic subunit; minus strand). Cytogenetic location: 6p12.1.
Variant type: single nucleotide variant.
Coding change: c.461G>A on transcript NM_001498.4 (MANE Select); coding-DNA position 461, G replaced by A.
Protein change: p.Gly154Glu; replaces glycine 154 with glutamic acid.
Molecular consequence: missense variant. On other transcripts: intron variant (1).
Genome position (GRCh38, 1-based): chr6:53,516,208, C>T on the plus strand (G>A on the coding strand, the complement: GCLC is on the minus strand). VCF-style: chr6-53516208-C-T. GRCh37 (hg19) VCF-style: chr6-53381006-C-T.
Other names: c.447-1711G>A (NM_001197115.2); short protein forms G154E.
Identifiers: ClinVar variation 4620682 (VCV004620682.2).